The following is an entry in ClinVar:

ClinVar aggregate classification (germline): Pathogenic (1 of 4 stars; one submission).

Conditions:
Duchenne muscular dystrophy (DMD). Also called: MUSCULAR DYSTROPHY, PSEUDOHYPERTROPHIC PROGRESSIVE, DUCHENNE TYPE; Duchenne Muscular Dystrophy (DMD). Identifiers: Orphanet 98896, MedGen C0013264, MONDO:0010679, OMIM 310200.

Submission:

Labcorp Genetics (formerly Invitae), Labcorp
Classification: Pathogenic for Duchenne muscular dystrophy. Last evaluated: 2018-06-29. Review status: criteria provided, single submitter. Criteria: Invitae Variant Classification Sherloc (09022015). Collection method: clinical testing. Allele origin: germline.
Comment: This variant is an in-frame deletion of the genomic region encompassing exons 48-49. It preserves the integrity of the reading frame. This variant has been reported in the hemizygous state in multiple individuals affected Becker muscular dystrophy (BMD) (PMID: 15841391, 2063877) and X-linked dilated cardiomyopathy (DCM) (PMID: 21851881). For these reasons, this variant has been classified as Pathogenic.

Literature cited by the submitters: PubMed 15841391; PubMed 2063877; PubMed 21851881.

NC_000023.11:g.(?_31836698)_(31875393_?)del

Genes: DMD (dystrophin; minus strand), LOC129391296 (MPRA-validated peak7373 silencer; plus strand). Cytogenetic location: Xp21.1.
Variant type: Deletion.
Identifiers: ClinVar variation 455817 (VCV000455817.1).